The following is an entry in ClinVar:

NM_001277115.2(DNAH11):c.7267-839A>T

Gene: DNAH11 (dynein axonemal heavy chain 11; plus strand). Cytogenetic location: 7p15.3.
Variant type: single nucleotide variant.
Coding change: c.7267-839A>T on transcript NM_001277115.2 (MANE Select); 839 bases into the intron before coding-DNA position 7267, A replaced by T.
Molecular consequence: intron variant.
Genome position (GRCh38, 1-based): chr7:21,724,972, A>T. VCF-style: chr7-21724972-A-T. GRCh37 (hg19) VCF-style: chr7-21764590-A-T.
Identifiers: ClinVar variation 3344107 (VCV003344107.1).

ClinVar aggregate classification (germline): Likely benign (0 of 4 stars; one submission).

Conditions:
DNAH11-related disorder. Also called: DNAH11-related condition.

gnomAD v4.1: 23 of 29,646 alleles (0.078%); highest among the groups gnomAD compares: East Asian, 0.34%; no homozygotes.

Submission:

PreventionGenetics, part of Exact Sciences
Classification: Likely benign for DNAH11-related condition. Last evaluated: 2024-05-31. Review status: no assertion criteria provided. Collection method: clinical testing. Allele origin: germline.
Comment: This variant is classified as likely benign based on ACMG/AMP sequence variant interpretation guidelines (Richards et al. 2015 PMID: 25741868, with internal and published modifications).